The following is an entry in ClinVar:

ClinVar aggregate classification (germline): Uncertain significance (1 of 4 stars; one submission).

Submission:

Labcorp Genetics (formerly Invitae), Labcorp
Classification: Uncertain significance. Last evaluated: 2023-08-07. Review status: criteria provided, single submitter. Criteria: Invitae Variant Classification Sherloc (09022015). Collection method: clinical testing. Allele origin: germline.
Comment: This variant is not present in population databases (gnomAD no frequency). This sequence change replaces valine, which is neutral and non-polar, with leucine, which is neutral and non-polar, at codon 135 of the CAPN5 protein (p.Val135Leu). This variant has not been reported in the literature in individuals affected with CAPN5-related conditions. Advanced modeling of protein sequence and biophysical properties (such as structural, functional, and spatial information, amino acid conservation, physicochemical variation, residue mobility, and thermodynamic stability) performed at Invitae indicates that this missense variant is not expected to disrupt CAPN5 protein function. In summary, the available evidence is currently insufficient to determine the role of this variant in disease. Therefore, it has been classified as a Variant of Uncertain Significance.

NM_004055.5(CAPN5):c.403G>C (p.Val135Leu)

Gene: CAPN5 (calpain 5; plus strand). Cytogenetic location: 11q13.5.
Variant type: single nucleotide variant.
Coding change: c.403G>C on transcript NM_004055.5 (MANE Select); coding-DNA position 403, G replaced by C.
Protein change: p.Val135Leu; replaces valine 135 with leucine.
Molecular consequence: missense variant.
Genome position (GRCh38, 1-based): chr11:77,112,694, G>C. VCF-style: chr11-77112694-G-C. GRCh37 (hg19) VCF-style: chr11-76823740-G-C.
Other names: c.523G>C, p.Val175Leu (NM_001425321.1); c.403G>C, p.Val135Leu (NM_001425322.1); c.271G>C, p.Val91Leu (NM_001425323.1); short protein forms V135L, V175L, V91L.
Identifiers: ClinVar variation 2964389 (VCV002964389.3), dbSNP rs1555040970, ClinGen allele CA381937109.